The following is an entry in ClinVar:

NM_014780.5(CUL7):c.2614G>A (p.Gly872Ser)

Gene: CUL7 (cullin 7; minus strand). Cytogenetic location: 6p21.1.
Variant type: single nucleotide variant.
Coding change: c.2614G>A on transcript NM_014780.5 (MANE Select); coding-DNA position 2614, G replaced by A.
Protein change: p.Gly872Ser; replaces glycine 872 with serine.
Molecular consequence: missense variant.
Genome position (GRCh38, 1-based): chr6:43,046,282, C>T on the plus strand (G>A on the coding strand, the complement: CUL7 is on the minus strand). VCF-style: chr6-43046282-C-T. GRCh37 (hg19) VCF-style: chr6-43014020-C-T.
Other names: c.2710G>A, p.Gly904Ser (NM_001168370.2, NM_001374872.1); c.2614G>A, p.Gly872Ser (NM_001374873.1, NM_001374874.1); short protein forms G872S, G904S.
Identifiers: ClinVar variation 282333 (VCV000282333.61), dbSNP rs61750320, ClinGen allele CA3813785.
Genomic context (GRCh38, chr6:43,046,282, plus strand): 5'-TGTGGGAGAGTTACCTGATGAGGATGCCCCGGCGCATGTGCAGGGTGATGTAGTGGGAGC[C>T]GGCGCTGCCGTTGGACTCCCAATAGGTCTTGGGGTTGTGGTCCGTCAGCTTGCTGGCCCG-3'
Protein context (NP_055595.2, residues 862-882): KTYWESNGSA[Gly872Ser]SHYITLHMRR

ClinVar aggregate classification (germline): Conflicting classifications of pathogenicity. Review status: criteria provided, conflicting classifications (1 of 4 stars). 9 submissions from 9 submitters: Uncertain significance (4); Likely benign (4). 1 of the submissions does not count toward it. Last evaluated 2026-02-02.

Conditions:
CUL7-related disorder. Also called: CUL7-related condition.
3M syndrome 1. Also called: 3-M Syndrome, CUL7-Related. Identifiers: Orphanet 2616, MedGen C2678312, MONDO:0010117, OMIM 273750.

Allele frequency attached by ClinVar (database versions not stated): 1000 Genomes Project 30x 0.00062; 1000 Genomes Project 0.00080; ExAC 0.00139; gnomAD exomes 0.00151 and 0.00248; TOPMed 0.00151; gnomAD 0.00164 and 0.00170; ESP Exome Variant Server 0.00192.
gnomAD v4.1: 3,841 of 1,614,188 alleles (0.24%); highest among the groups gnomAD compares: Non-Finnish European, 0.3%; 6 homozygotes.

Submissions (9):

Labcorp Genetics (formerly Invitae), Labcorp
Classification: Likely benign. Last evaluated: 2026-02-02. Review status: criteria provided, single submitter. Criteria: Invitae Variant Classification Sherloc (09022015). Collection method: clinical testing. Allele origin: germline.

Blueprint Genetics
Classification: Likely benign. Last evaluated: 2024-11-19. Review status: criteria provided, single submitter. Criteria: ACMG Guidelines, 2015. Collection method: clinical testing. Allele origin: germline.

Women's Health and Genetics/Laboratory Corporation of America, LabCorp
Classification: Likely benign. Last evaluated: 2024-03-26. Review status: criteria provided, single submitter. Criteria: LabCorp Variant Classification Summary - May 2015. Collection method: clinical testing. Allele origin: germline.
Comment: Variant summary: CUL7 c.2614G>A (p.Gly872Ser) results in a non-conservative amino acid change located in the APC10/DOC domain (IPR004939) of the encoded protein sequence. Four of five in-silico tools predict a damaging effect of the variant on protein function. The variant allele was found at a frequency of 0.0015 in 251468 control chromosomes, predominantly at a frequency of 0.0024 within the Non-Finnish European subpopulation in the gnomAD database. The observed variant frequency within Non-Finnish European control individuals in the gnomAD database is approximately 2 fold of the estimated maximal expected allele frequency for a pathogenic variant in CUL7 causing Three M Syndrome 1 phenotype (0.0011), strongly suggesting that the variant is a benign polymorphism found primarily in populations of Non-Finnish European origin. To our knowledge, no occurrence of c.2614G>A in individuals affected with Three M Syndrome 1 and no experimental evidence demonstrating its impact on protein function have been reported. ClinVar contains an entry for this variant (Variation ID: 282333). Based on the evidence outlined above, the variant was classified as likely benign.

CeGaT Center for Human Genetics Tuebingen
Classification: Likely benign. Last evaluated: 2022-08-01. Review status: criteria provided, single submitter. Criteria: CeGaT Center For Human Genetics Tuebingen Variant Classification Criteria Version 2. Collection method: clinical testing. Allele origin: germline. Affected: yes. Observed: 3 variant alleles.
Comment: CUL7: BP4, BS1

GeneDx
Classification: Uncertain significance. Last evaluated: 2022-01-13. Review status: criteria provided, single submitter. Criteria: GeneDx Variant Classification Process June 2021. Collection method: clinical testing. Allele origin: germline. Affected: yes.
Comment: In silico analysis supports that this missense variant has a deleterious effect on protein structure/function; Has not been previously published as pathogenic or benign to our knowledge

Fulgent Genetics
Classification: Uncertain significance for 3M syndrome 1. Last evaluated: 2018-10-31. Review status: criteria provided, single submitter. Criteria: ACMG Guidelines, 2015. Collection method: clinical testing. Allele origin: unknown.

Eurofins Ntd Llc (ga)
Classification: Uncertain significance. Last evaluated: 2018-01-12. Review status: criteria provided, single submitter. Criteria: EGL Classification Definitions 2015. Collection method: clinical testing. Allele origin: germline. Observed: 4 variant alleles, 4 heterozygotes.

Illumina Laboratory Services, Illumina
Classification: Uncertain significance for 3M syndrome 1. Last evaluated: 2018-01-12. Review status: criteria provided, single submitter. Criteria: ICSL Variant Classification Criteria 13 December 2019. Collection method: clinical testing. Allele origin: germline.

PreventionGenetics, part of Exact Sciences
Classification: Likely benign for CUL7-related condition. Last evaluated: 2022-12-27. Review status: no assertion criteria provided. Collection method: clinical testing. Allele origin: germline. Not counted in ClinVar's aggregate classification.
Comment: This variant is classified as likely benign based on ACMG/AMP sequence variant interpretation guidelines (Richards et al. 2015 PMID: 25741868, with internal and published modifications).